The following is an entry in ClinVar:

ClinVar aggregate classification (germline): Conflicting classifications of pathogenicity. Review status: criteria provided, conflicting classifications (1 of 4 stars). 2 submissions from 2 submitters: Uncertain significance (1); Likely benign (1). Last evaluated 2026-01-13.

Conditions:
RP1L1-related disorder. Also called: RP1L1-related condition.
Inborn genetic diseases. Identifiers: MedGen C0950123, MeSH D030342.

gnomAD v4.1: 57 of 1,613,702 alleles (0.0035%); highest among the groups gnomAD compares: Admixed American, 0.0067%; no homozygotes.

Submissions (2):

PreventionGenetics, part of Exact Sciences
Classification: Uncertain significance for RP1L1-related condition. Last evaluated: 2026-01-13. Review status: criteria provided, single submitter. Criteria: ACMG Guidelines, 2015. Collection method: clinical testing. Allele origin: germline.
Comment: The RP1L1 c.3661G>A variant is predicted to result in the amino acid substitution p.Gly1221Ser. To our knowledge, this variant has not been reported in the literature. This variant is reported in 0.0088% of alleles in individuals of European (Non-Finnish) descent in gnomAD. At this time, the clinical significance of this variant is uncertain due to the absence of conclusive functional and genetic evidence.

Ambry Genetics
Classification: Likely benign for Inborn genetic diseases. Last evaluated: 2025-08-28. Review status: criteria provided, single submitter. Criteria: Ambry Variant Classification Scheme 2023. Collection method: clinical testing. Allele origin: germline.

NM_178857.6(RP1L1):c.3661G>A (p.Gly1221Ser)

Gene: RP1L1 (RP1 like 1). Cytogenetic location: 8p23.1.
Variant type: single nucleotide variant.
Coding change: c.3661G>A on transcript NM_178857.6 (MANE Select); coding-DNA position 3661, G replaced by A.
Protein change: p.Gly1221Ser; replaces glycine 1221 with serine.
Molecular consequence: missense variant.
Genome position (GRCh38, 1-based): chr8:10,610,437, C>T on the plus strand (G>A on the coding strand, the complement: RP1L1 is on the minus strand). VCF-style: chr8-10610437-C-T. GRCh37 (hg19) VCF-style: chr8-10467947-C-T.
Other names: short protein forms G1221S.
Identifiers: ClinVar variation 4156251 (VCV004156251.2).